The following is an entry in ClinVar:

ClinVar aggregate classification (germline): Conflicting classifications of pathogenicity. Review status: criteria provided, conflicting classifications (1 of 4 stars). 4 submissions from 4 submitters: Pathogenic (1); Likely pathogenic (1); Uncertain significance (1). 1 of the submissions does not count toward it. Last evaluated 2025-06-22.

Conditions:
Long QT syndrome (LQTS). Identifiers: MedGen C0023976, MeSH D008133, MONDO:0002442. Disease mechanism: loss of function. Inheritance: Various modes of inheritance.
Short QT syndrome type 1. Identifiers: Orphanet 51083, MedGen C1865020, MONDO:0012312, OMIM 609620.

Submissions (4):

Labcorp Genetics (formerly Invitae), Labcorp
Classification: Uncertain significance for Long QT syndrome. Last evaluated: 2025-06-22. Review status: criteria provided, single submitter. Criteria: Invitae Variant Classification Sherloc (09022015). Collection method: clinical testing. Allele origin: germline.
Comment: This sequence change replaces threonine, which is neutral and polar, with methionine, which is neutral and non-polar, at codon 74 of the KCNH2 protein (p.Thr74Met). This variant is not present in population databases (gnomAD no frequency). This missense change has been observed in individual(s) with clinical features of KCNH2-related conditions (PMID: 16414944, 19716085, 22949429, 24606995; internal data). ClinVar contains an entry for this variant (Variation ID: 67377). An algorithm developed to predict the effect of missense changes on protein structure and function (PolyPhen-2) suggests that this variant is likely to be disruptive. Experimental studies have shown that this missense change affects KCNH2 function (PMID: 25417810, 32475984, 35688147, 35688148). In summary, the available evidence is currently insufficient to determine the role of this variant in disease. Therefore, it has been classified as a Variant of Uncertain Significance.

Mendelics
Classification: Pathogenic for Short QT syndrome type 1. Last evaluated: 2022-05-04. Review status: criteria provided, single submitter. Criteria: Mendelics Assertion Criteria 2019. Collection method: clinical testing. Allele origin: germline.

GeneDx
Classification: Likely pathogenic. Last evaluated: 2015-11-12. Review status: criteria provided, single submitter. Criteria: GeneDx Variant Classification (06012015). Collection method: clinical testing. Allele origin: germline. Affected: yes.
Comment: p.Thr74Met (ACG>ATG): c.221 C>T in exon 2 of the KCNH2 (aka HERG) gene (NM_000238.2)The Thr74Met mutation in the KCNH2 gene has been reported in at least two unrelated individuals with LQTS and it was absent from at least 2,600 control alleles (Napolitano C et al., 2005; Kapplinger J et al., 2009). Nevertheless, the NHLBI ESP Exome Variant Server reports Thr74Met was not observed in approximately 6,000 samples from individuals of European and African American backgrounds, indicating it is not a common benign variant in these populations. Mutations at this codon (Thr74Arg, Thr74Pro) and in nearby codons (Pro72Arg, Pro72Gln, Pro72Leu, Ala78Pro) have been reported in association with LQTS, further supporting the functional importance of this codon and this region of the protein. In summary, Thr74Met in the KCNH2 gene is interpreted as a disease-causing mutation. The variant is found in LQT panel(s).

Cardiovascular Biomedical Research Unit, Royal Brompton & Harefield NHS Foundation Trust
No classification provided. Review status: no classification provided. Collection method: literature only. Allele origin: germline. Not counted in ClinVar's aggregate classification.
Comment: This variant has been reported in the following publications (PMID:16414944;PMID:19716085;PMID:19841300).

Literature cited by the submitters: PubMed 16414944 (cited by Labcorp Genetics (formerly Invitae), Labcorp and Cardiovascular Biomedical Research Unit, Royal Brompton & Harefield NHS Foundation Trust); PubMed 19716085 (cited by Labcorp Genetics (formerly Invitae), Labcorp and Cardiovascular Biomedical Research Unit, Royal Brompton & Harefield NHS Foundation Trust); PubMed 22949429 (cited by Labcorp Genetics (formerly Invitae), Labcorp); PubMed 24606995 (cited by Labcorp Genetics (formerly Invitae), Labcorp); PubMed 25417810 (cited by Labcorp Genetics (formerly Invitae), Labcorp); PubMed 32475984 (cited by Labcorp Genetics (formerly Invitae), Labcorp); PubMed 35688147 (cited by Labcorp Genetics (formerly Invitae), Labcorp); PubMed 35688148 (cited by Labcorp Genetics (formerly Invitae), Labcorp); PubMed 19841300 (cited by Cardiovascular Biomedical Research Unit, Royal Brompton & Harefield NHS Foundation Trust); PubMed 22581653 (cited by Cardiovascular Biomedical Research Unit, Royal Brompton & Harefield NHS Foundation Trust).

NM_000238.4(KCNH2):c.221C>T (p.Thr74Met)

Gene: KCNH2 (potassium voltage-gated channel subfamily H member 2; minus strand). Cytogenetic location: 7q36.1.
Variant type: single nucleotide variant.
Coding change: c.221C>T on transcript NM_000238.4 (MANE Select); coding-DNA position 221, C replaced by T.
Protein change: p.Thr74Met; replaces threonine 74 with methionine.
Molecular consequence: missense variant.
Genome position (GRCh38, 1-based): chr7:150,974,797, G>A on the plus strand (C>T on the coding strand, the complement: KCNH2 is on the minus strand). VCF-style: chr7-150974797-G-A. GRCh37 (hg19) VCF-style: chr7-150671885-G-A.
Other names: p.T74M:ACG>ATG; c.44C>T, p.Thr15Met (NM_001406755.1); c.221C>T, p.Thr74Met (NM_172056.3); c.221C>T (LRG_288t1); short protein forms T74M, T15M.
Identifiers: ClinVar variation 67377 (VCV000067377.10), dbSNP rs199473422, ClinGen allele CA006365.
Genomic context (GRCh38, chr7:150,974,797, plus strand): 5'-ACTTTGCGCTCCTCGGCGCCCAGCAGTGCCTGCGCGATCTGCGCGGCAGCGCGGCGCTGC[G>A]TGCGCGGCCCGTGCAGGAAGTCGCAGGTGCAGGGTCGCTGCATCACCTCGGCCCGCGAGT-3'
Protein context (NP_000229.1, residues 64-84): CTCDFLHGPR[Thr74Met]QRRAAAQIAQ